The following is an entry in ClinVar:

ClinVar aggregate classification (germline): Uncertain significance. Review status: criteria provided, multiple submitters, no conflicts (2 of 4 stars). 3 submissions from 3 submitters: Uncertain significance (3). Last evaluated 2024-03-13.

Conditions:
Hereditary cancer-predisposing syndrome. Also called: Neoplastic Syndromes, Hereditary; Tumor predisposition; Hereditary neoplastic syndrome; Hereditary Cancer Syndrome. Identifiers: Orphanet 140162, MedGen C0027672, MeSH D009386, MONDO:0015356.
Hereditary diffuse gastric adenocarcinoma (HDGC). Also called: DIFFUSE GASTRIC AND LOBULAR BREAST CANCER SYNDROME. Identifiers: Orphanet 26106, MedGen C1708349, MONDO:0007648, OMIM 137215.
Familial cancer of breast. Also called: BREAST CANCER, FAMILIAL; Hereditary breast cancer; hereditary breast carcinoma. Identifiers: Orphanet 227535, MedGen C0346153, MONDO:0016419, OMIM 114480. Disease mechanism: loss of function.

Submissions (3):

Ambry Genetics
Classification: Uncertain significance for Hereditary cancer-predisposing syndrome. Last evaluated: 2024-03-13. Review status: criteria provided, single submitter. Criteria: Ambry Variant Classification Scheme 2023. Collection method: clinical testing. Allele origin: germline.
Comment: The p.I722T variant (also known as c.2165T>C) is located in coding exon 14 of the CDH1 gene, results from a T to C substitution at nucleotide position 2165. This variant impacts the first base pair of coding exon 14. The isoleucine at codon 722 is replaced by threonine, an amino acid with similar properties. This amino acid position is not well conserved in available vertebrate species. In addition, this alteration is predicted to be tolerated by in silico analysis. Since supporting evidence is limited at this time, the clinical significance of this alteration remains unclear.

Labcorp Genetics (formerly Invitae), Labcorp
Classification: Uncertain significance for Hereditary diffuse gastric adenocarcinoma. Last evaluated: 2023-10-13. Review status: criteria provided, single submitter. Criteria: Invitae Variant Classification Sherloc (09022015). Collection method: clinical testing. Allele origin: germline.
Comment: This sequence change replaces isoleucine, which is neutral and non-polar, with threonine, which is neutral and polar, at codon 722 of the CDH1 protein (p.Ile722Thr). This variant is not present in population databases (gnomAD no frequency). This variant has not been reported in the literature in individuals affected with CDH1-related conditions. ClinVar contains an entry for this variant (Variation ID: 239890). An algorithm developed to predict the effect of missense changes on protein structure and function (PolyPhen-2) suggests that this variant is likely to be disruptive. In summary, the available evidence is currently insufficient to determine the role of this variant in disease. Therefore, it has been classified as a Variant of Uncertain Significance.

Baylor Genetics
Classification: Uncertain significance for Familial cancer of breast. Last evaluated: 2023-05-03. Review status: criteria provided, single submitter. Criteria: ACMG Guidelines, 2015. Collection method: clinical testing. Allele origin: unknown.

NM_004360.5(CDH1):c.2165T>C (p.Ile722Thr)

Gene: CDH1 (cadherin 1; plus strand). Cytogenetic location: 16q22.1.
Variant type: single nucleotide variant.
Coding change: c.2165T>C on transcript NM_004360.5 (MANE Select); coding-DNA position 2165, T replaced by C.
Protein change: p.Ile722Thr; replaces isoleucine 722 with threonine.
Molecular consequence: missense variant.
Genome position (GRCh38, 1-based): chr16:68,828,174, T>C. VCF-style: chr16-68828174-T-C. GRCh37 (hg19) VCF-style: chr16-68862077-T-C.
Other names: c.2165T>C (LRG_301t1); c.1982T>C, p.Ile661Thr (NM_001317184.2); c.617T>C, p.Ile206Thr (NM_001317185.2); c.200T>C, p.Ile67Thr (NM_001317186.2); short protein forms I722T, I206T, I67T, I661T.
Identifiers: ClinVar variation 239890 (VCV000239890.14), dbSNP rs878854682, ClinGen allele CA10583420.